The following is an entry in ClinVar:

ClinVar aggregate classification (germline): Likely benign (1 of 4 stars; one submission).

Conditions:
ALMS1-related disorder. Also called: ALMS1-related condition.

Submission:

PreventionGenetics, part of Exact Sciences
Classification: Likely benign for ALMS1-related condition. Last evaluated: 2025-04-05. Review status: criteria provided, single submitter. Criteria: ACMG Guidelines, 2015. Collection method: clinical testing. Allele origin: germline.
Comment: This variant is classified as likely benign based on ACMG/AMP sequence variant interpretation guidelines (Richards et al. 2015 PMID: 25741868, with internal and published modifications).

NM_001378454.1(ALMS1):c.2919T>C (p.Asp973=)

Gene: ALMS1 (ALMS1 centrosome and basal body associated protein; plus strand). Cytogenetic location: 2p13.1.
Variant type: single nucleotide variant.
Coding change: c.2919T>C on transcript NM_001378454.1 (MANE Select); coding-DNA position 2919, T replaced by C.
Protein change: p.Asp973=; no amino-acid change (aspartic acid 973 retained).
Molecular consequence: synonymous variant.
Genome position (GRCh38, 1-based): chr2:73,449,446, T>C. VCF-style: chr2-73449446-T-C. GRCh37 (hg19) VCF-style: chr2-73676573-T-C.
Other names: c.2922T>C, p.Asp974= (NM_015120.4).
Identifiers: ClinVar variation 4978733 (VCV004978733.1).